The following is an entry in ClinVar:

ClinVar aggregate classification (germline): Pathogenic (1 of 4 stars; one submission).

Conditions:
Usher syndrome type 1C. Also called: USHER SYNDROME, TYPE I, ACADIAN VARIETY. Identifiers: Orphanet 231169, Orphanet 886, MedGen C1848604, MONDO:0010171, OMIM 276904.

Submission:

Myriad Genetics, Inc.
Classification: Pathogenic for Usher syndrome type 1C. Last evaluated: 2023-09-27. Review status: criteria provided, single submitter. Criteria: Myriad Autosomal Dominant, Autosomal Recessive and X-Linked Classification Criteria (2023). Collection method: clinical testing. Allele origin: unknown.
Comment: NM_005709.3(USH1C):c.40dupG(D14Gfs*5) is expected to be pathogenic in the context of USH1C-related disorders. This variant is predicted to lead to an abnormal or absent protein product due to the creation of a premature termination codon in USH1C, a gene where loss-of-function variants are known to be pathogenic. Please note: this variant was assessed in the context of healthy population screening.

NM_153676.4(USH1C):c.40dup (p.Asp14fs)

Gene: USH1C (USH1 protein network component harmonin; minus strand). Cytogenetic location: 11p15.1.
Variant type: Duplication.
Coding change: c.40dup on transcript NM_153676.4 (MANE Select); coding-DNA position 40, one base duplicated (G; older notation c.40dupG).
Protein change: p.Asp14fs; shifts the reading frame from aspartic acid 14.
Molecular consequence: frameshift variant. On other transcripts: non-coding transcript variant (1).
Genome position (GRCh38, 1-based): chr11:17,533,319, C duplicated on the plus strand (G on the coding strand, the reverse complement: USH1C is on the minus strand); the first of 2 consecutive C bases (chr11:17,533,319-17,533,320); duplicating either gives the same sequence. VCF-style (leftmost placement, unchanged base first): chr11-17533318-T-TC. GRCh37 (hg19) VCF-style: chr11-17554865-T-TC.
Other names: c.40dup, p.Asp14fs (NM_001297764.2, NM_001440680.1, NM_001440681.1 and 5 more transcripts); c.73dup, p.Asp25fs (NM_001440679.1, NM_001440684.1, NM_001440686.1); short protein forms D14fs, D25fs.
Identifiers: ClinVar variation 5012303 (VCV005012303.1).
Genomic context (GRCh38, chr11:17,533,318, plus strand): 5'-TGGTACATTCGCAGCACATCATAGAGATAGTCCTTCTCTGCATCATTTTCAATCAGAAAA[T>TC]CCACCTGGAAAATCCAATAGCAGAATCACAGCTCCAGGCTCAGCACCCGCCCCCATAGCA-3'